The following is an entry in ClinVar:

ClinVar aggregate classification (germline): Likely benign. Review status: criteria provided, single submitter (1 of 4 stars). 2 submissions from 2 submitters: Likely benign (1). 1 of the submissions does not count toward it. Last evaluated 2024-06-08.

Conditions:
ACOX2-related disorder. Also called: ACOX2-related condition.

Allele frequency attached by ClinVar (database versions not stated): TOPMed 0.00005; ExAC 0.00008; ESP Exome Variant Server 0.00008; gnomAD 0.00009; gnomAD exomes 0.00014.
gnomAD v4.1: 217 of 1,614,078 alleles (0.013%); highest among the groups gnomAD compares: Non-Finnish European, 0.016%; no homozygotes.

Submissions (2):

Labcorp Genetics (formerly Invitae), Labcorp
Classification: Likely benign. Last evaluated: 2024-06-08. Review status: criteria provided, single submitter. Criteria: Invitae Variant Classification Sherloc (09022015). Collection method: clinical testing. Allele origin: germline.

PreventionGenetics, part of Exact Sciences
Classification: Likely benign for ACOX2-related condition. Last evaluated: 2019-06-08. Review status: no assertion criteria provided. Collection method: clinical testing. Allele origin: germline. Not counted in ClinVar's aggregate classification.
Comment: This variant is classified as likely benign based on ACMG/AMP sequence variant interpretation guidelines (Richards et al. 2015 PMID: 25741868, with internal and published modifications).

NM_003500.4(ACOX2):c.1782C>T (p.Asp594=)

Gene: ACOX2 (acyl-CoA oxidase 2; minus strand). Cytogenetic location: 3p14.3.
Variant type: single nucleotide variant.
Coding change: c.1782C>T on transcript NM_003500.4 (MANE Select); coding-DNA position 1782, C replaced by T.
Protein change: p.Asp594=; no amino-acid change (aspartic acid 594 retained).
Molecular consequence: synonymous variant.
Genome position (GRCh38, 1-based): chr3:58,517,274, G>A on the plus strand (C>T on the coding strand, the complement: ACOX2 is on the minus strand). VCF-style: chr3-58517274-G-A. GRCh37 (hg19) VCF-style: chr3-58503001-G-A.
Other names: c.1782C>T (NM_003500.3).
Identifiers: ClinVar variation 2414037 (VCV002414037.7), dbSNP rs142302007, ClinGen allele CA2471954.